The following is an entry in ClinVar:

NM_001206927.2(DNAH8):c.11913A>T (p.Glu3971Asp)

Genes: DNAH8 (dynein axonemal heavy chain 8; plus strand), DNAH8-AS1 (DNAH8 antisense RNA 1; minus strand). Cytogenetic location: 6p21.2.
Variant type: single nucleotide variant.
Coding change: c.11913A>T on transcript NM_001206927.2 (MANE Select); coding-DNA position 11913, A replaced by T.
Protein change: p.Glu3971Asp; replaces glutamic acid 3971 with aspartic acid.
Molecular consequence: missense variant.
Genome position (GRCh38, 1-based): chr6:38,938,894, A>T. VCF-style: chr6-38938894-A-T. GRCh37 (hg19) VCF-style: chr6-38906670-A-T.
Other names: c.11262A>T, p.Glu3754Asp (NM_001371.4); short protein forms E3754D, E3971D.
Identifiers: ClinVar variation 1991194 (VCV001991194.4), dbSNP rs149690655, ClinGen allele CA364021472.

ClinVar aggregate classification (germline): Uncertain significance (1 of 4 stars; one submission).

Conditions:
Primary ciliary dyskinesia. Also called: Ciliary dyskinesia. Identifiers: Orphanet 244, MedGen C0008780, MONDO:0016575, HP:0012265.

gnomAD v4.1: 2 of 1,613,928 alleles (0.00012%); highest among the groups gnomAD compares: African/African-American, 0.0027%; no homozygotes.

Submission:

Labcorp Genetics (formerly Invitae), Labcorp
Classification: Uncertain significance for Primary ciliary dyskinesia. Last evaluated: 2022-02-04. Review status: criteria provided, single submitter. Criteria: Invitae Variant Classification Sherloc (09022015). Collection method: clinical testing. Allele origin: germline.
Comment: This variant has not been reported in the literature in individuals affected with DNAH8-related conditions. Algorithms developed to predict the effect of missense changes on protein structure and function are either unavailable or do not agree on the potential impact of this missense change (SIFT: "Deleterious"; PolyPhen-2: "Not Available"; Align-GVGD: "Class C35"). In summary, the available evidence is currently insufficient to determine the role of this variant in disease. Therefore, it has been classified as a Variant of Uncertain Significance. This variant is not present in population databases (gnomAD no frequency). This sequence change replaces glutamic acid, which is acidic and polar, with aspartic acid, which is acidic and polar, at codon 3971 of the DNAH8 protein (p.Glu3971Asp).